The following is an entry in ClinVar:

ClinVar aggregate classification (germline): Pathogenic (1 of 4 stars; one submission).

Conditions:
Combined oxidative phosphorylation defect type 17. Also called: Combined oxidative phosphorylation deficiency 17. Identifiers: Orphanet 369913, MedGen C3809526, MONDO:0014190, OMIM 615440.

Submission:

Labcorp Genetics (formerly Invitae), Labcorp
Classification: Pathogenic for Combined oxidative phosphorylation defect type 17. Last evaluated: 2024-08-29. Review status: criteria provided, single submitter. Criteria: Invitae Variant Classification Sherloc (09022015). Collection method: clinical testing. Allele origin: germline.
Comment: This sequence change creates a premature translational stop signal (p.His546Profs*69) in the ELAC2 gene. It is expected to result in an absent or disrupted protein product. Loss-of-function variants in ELAC2 are known to be pathogenic (PMID: 27769300, 31045291). This variant is not present in population databases (gnomAD no frequency). This variant has not been reported in the literature in individuals affected with ELAC2-related conditions. For these reasons, this variant has been classified as Pathogenic.

Literature cited by the submitters: PubMed 27769300; PubMed 31045291.

NM_018127.7(ELAC2):c.1637_1638del (p.His546fs)

Gene: ELAC2 (elaC ribonuclease Z 2; minus strand). Cytogenetic location: 17p12.
Variant type: Deletion.
Coding change: c.1637_1638del on transcript NM_018127.7 (MANE Select); coding-DNA positions 1637 to 1638, 2 bases deleted (AC; older notation c.1637_1638delAC).
Protein change: p.His546fs; shifts the reading frame from histidine 546.
Molecular consequence: frameshift variant.
Genome position (GRCh38, 1-based): chr17:12,996,568-12,996,569, GT deleted on the plus strand (AC on the coding strand, the reverse complement: ELAC2 is on the minus strand); deleting any 2 consecutive bases within chr17:12,996,568-12,996,570 gives the same sequence; the c. name uses the placement nearest the transcript's 3' end. VCF-style (leftmost placement, unchanged base first): chr17-12996567-GGT-G. GRCh37 (hg19) VCF-style: chr17-12899884-GGT-G.
Other names: c.1517_1518del, p.His506fs (NM_001165962.2); c.1634_1635del, p.His545fs (NM_173717.2); short protein forms H506fs, H546fs, H545fs.
Identifiers: ClinVar variation 3730823 (VCV003730823.2).